The following is an entry in ClinVar:

ClinVar aggregate classification (germline): Uncertain significance. Review status: criteria provided, multiple submitters, no conflicts (2 of 4 stars). 2 submissions from 2 submitters: Uncertain significance (2). Last evaluated 2024-11-04.

Allele frequency attached by ClinVar (database versions not stated): ExAC 0.00001; gnomAD exomes 0.00001; TOPMed 0.00012; gnomAD 0.00013; ESP Exome Variant Server 0.00015.
gnomAD v4.1: 40 of 1,613,826 alleles (0.0025%); highest among the groups gnomAD compares: African/African-American, 0.051%; no homozygotes.

Submissions (2):

Women's Health and Genetics/Laboratory Corporation of America, LabCorp
Classification: Uncertain significance. Last evaluated: 2024-11-04. Review status: criteria provided, single submitter. Criteria: LabCorp Variant Classification Summary - May 2015. Collection method: clinical testing. Allele origin: germline.
Comment: Variant summary: C5 c.17T>G (p.Ile6Arg) results in a non-conservative amino acid change in the encoded protein sequence. Four of five in-silico tools predict a benign effect of the variant on protein function. The variant allele was found at a frequency of 8e-06 in 251212 control chromosomes. The available data on variant occurrences in the general population are insufficient to allow any conclusion about variant significance. To our knowledge, no occurrence of c.17T>G in individuals affected with C5 Deficiency and no experimental evidence demonstrating its impact on protein function have been reported. ClinVar contains an entry for this variant (Variation ID: 3136026). Based on the evidence outlined above, the variant was classified as uncertain significance.

Ambry Genetics
Classification: Uncertain significance. Last evaluated: 2023-12-09. Review status: criteria provided, single submitter. Criteria: Ambry Variant Classification Scheme 2023. Collection method: clinical testing. Allele origin: germline.

NM_001735.3(C5):c.17T>G (p.Ile6Arg)

Gene: C5 (complement C5; minus strand). Cytogenetic location: 9q33.2.
Variant type: single nucleotide variant.
Coding change: c.17T>G on transcript NM_001735.3 (MANE Select); coding-DNA position 17, T replaced by G.
Protein change: p.Ile6Arg; replaces isoleucine 6 with arginine.
Molecular consequence: missense variant. On other transcripts: intron variant (1).
Genome position (GRCh38, 1-based): chr9:121,050,230, A>C on the plus strand (T>G on the coding strand, the complement: C5 is on the minus strand). VCF-style: chr9-121050230-A-C. GRCh37 (hg19) VCF-style: chr9-123812508-A-C.
Other names: c.17T>G, p.Ile6Arg (NM_001317164.2); c.84-3847T>G (NM_001317163.2); short protein forms I6R.
Identifiers: ClinVar variation 3136026 (VCV003136026.2), dbSNP rs375681125, ClinGen allele CA5218507.
Genomic context (GRCh38, chr9:121,050,230, plus strand): 5'-TGTTTTACTTACGTTTGCTCCTGTCCCCAGGTTTTCCCCAGGAAGATTAAAAAACAAAGT[A>C]TTCCCAAAAGGCCCATGGTTGGAGGTAGCAGGAAACCACGGATATAACACTTTTGAGGAT-3'
Protein context (NP_001726.2, residues 1-16): MGLLG[Ile6Arg]LCFLIFLGKT